The following is an entry in ClinVar:

NM_024642.5(GALNT12):c.1686C>T (p.Leu562=)

Gene: GALNT12 (polypeptide N-acetylgalactosaminyltransferase 12; plus strand). Cytogenetic location: 9q22.33.
Variant type: single nucleotide variant.
Coding change: c.1686C>T on transcript NM_024642.5 (MANE Select); coding-DNA position 1686, C replaced by T.
Protein change: p.Leu562=; no amino-acid change (leucine 562 retained).
Molecular consequence: synonymous variant.
Genome position (GRCh38, 1-based): chr9:98,849,032, C>T. VCF-style: chr9-98849032-C-T. GRCh37 (hg19) VCF-style: chr9-101611314-C-T.
Identifiers: ClinVar variation 1778009 (VCV001778009.3), dbSNP rs1278653635, ClinGen allele CA466426197.
Genomic context (GRCh38, chr9:98,849,032, plus strand): 5'-ACAGTCCAAGAAATGTGTCCAGGCTGCGAGGAAGGAGTCGAGTGACAGTTTCGTTCCACT[C>T]TTACGAGACTGCACCAACTCGGATCATCAGAAATGGTTCTTCAAAGAGCGCATGTTATGA-3'
Protein context (NP_078918.3, residues 552-572): RKESSDSFVP[Leu562=]LRDCTNSDHQ

ClinVar aggregate classification (germline): Benign/Likely benign. Review status: criteria provided, multiple submitters, no conflicts (2 of 4 stars). 2 submissions from 2 submitters: Benign (1); Likely benign (1). Last evaluated 2026-04-28.

Conditions:
Colorectal cancer, susceptibility to, 1. Also called: COLORECTAL ADENOMA AND CANCER, SUSCEPTIBILITY TO; COLORECTAL CANCER, SUSCEPTIBILITY TO, ON CHROMOSOME 9. Identifiers: MedGen C1837315, MONDO:0012132, OMIM 608812.

Allele frequency attached by ClinVar (database versions not stated): TOPMed below 0.00001.
gnomAD v4.1: 3 of 1,614,156 alleles (0.00019%); highest among the groups gnomAD compares: Non-Finnish European, 0.00025%; no homozygotes.

Submissions (2):

Myriad Genetics, Inc.
Classification: Benign for Colorectal cancer, susceptibility to, 1. Last evaluated: 2026-04-28. Review status: criteria provided, single submitter. Criteria: Myriad Autosomal Dominant, Autosomal Recessive and X-Linked Classification Criteria (2023). Collection method: clinical testing. Allele origin: unknown.
Comment: This variant is considered benign. This variant is a silent/synonymous amino acid change and it is not expected to impact splicing.

Ambry Genetics
Classification: Likely benign. Last evaluated: 2021-05-13. Review status: criteria provided, single submitter. Criteria: Ambry Variant Classification Scheme 2023. Collection method: clinical testing. Allele origin: germline.